The following is an entry in ClinVar:

ClinVar aggregate classification (germline): Pathogenic/Likely pathogenic. Review status: criteria provided, multiple submitters, no conflicts (2 of 4 stars). 2 submissions from 2 submitters: Pathogenic (1); Likely pathogenic (1). Last evaluated 2025-09-26.

Conditions:
Niemann-Pick disease, type C1. Also called: NEUROVISCERAL STORAGE DISEASE WITH VERTICAL SUPRANUCLEAR OPHTHALMOPLEGIA; NIEMANN-PICK DISEASE WITH CHOLESTEROL ESTERIFICATION BLOCK; NIEMANN-PICK DISEASE WITHOUT SPHINGOMYELINASE DEFICIENCY; NIEMANN-PICK DISEASE, CHRONIC NEURONOPATHIC FORM; NIEMANN-PICK DISEASE, VARIANT TYPE C1. Identifiers: Orphanet 646, MedGen C3179455, MONDO:0009757, OMIM 257220.

Submissions (2):

First Genomix Gene Laboratory, Genetic Diagnostics Department
Classification: Likely pathogenic for Niemann-Pick disease, type C1. Last evaluated: 2025-09-26. Review status: criteria provided, single submitter. Criteria: ACMG Guidelines, 2015. Collection method: clinical testing. Allele origin: germline. Inheritance: Autosomal recessive inheritance. Affected: no. Observed: 1 variant allele.

Labcorp Genetics (formerly Invitae), Labcorp
Classification: Pathogenic for Niemann-Pick disease, type C1. Last evaluated: 2020-08-11. Review status: criteria provided, single submitter. Criteria: Invitae Variant Classification Sherloc (09022015). Collection method: clinical testing. Allele origin: germline.
Comment: For these reasons, this variant has been classified as Pathogenic. Loss-of-function variants in NPC1 are known to be pathogenic (PMID: 9211850). This variant has not been reported in the literature in individuals with NPC1-related conditions. This variant is not present in population databases (ExAC no frequency). This sequence change creates a premature translational stop signal (p.Cys976*) in the NPC1 gene. It is expected to result in an absent or disrupted protein product.

Literature cited by the submitters: PubMed 9211850 (cited by Labcorp Genetics (formerly Invitae), Labcorp).

NM_000271.5(NPC1):c.2928C>A (p.Cys976Ter)

Gene: NPC1 (NPC intracellular cholesterol transporter 1; minus strand). Cytogenetic location: 18q11.2.
Variant type: single nucleotide variant.
Coding change: c.2928C>A on transcript NM_000271.5 (MANE Select); coding-DNA position 2928, C replaced by A.
Protein change: p.Cys976Ter; replaces cysteine 976 with a stop codon.
Molecular consequence: nonsense.
Genome position (GRCh38, 1-based): chr18:23,538,655, G>T on the plus strand (C>A on the coding strand, the complement: NPC1 is on the minus strand). VCF-style: chr18-23538655-G-T. GRCh37 (hg19) VCF-style: chr18-21118619-G-T.
Other names: short protein forms C976*.
Identifiers: ClinVar variation 1073931 (VCV001073931.7), dbSNP rs370766410, ClinGen allele CA401792315.